The following is an entry in ClinVar:

ClinVar aggregate classification (germline): Benign. Review status: criteria provided, multiple submitters, no conflicts (2 of 4 stars). 11 submissions from 8 submitters: Benign (8). 3 of the submissions do not count toward it. Last evaluated 2026-01-19.

Conditions:
Dilated cardiomyopathy 1G (CMD1G). Identifiers: Orphanet 154, MedGen C1858763, MONDO:0011400, OMIM 604145.
Autosomal recessive limb-girdle muscular dystrophy type 2J (LGMDR10). Also called: MUSCULAR DYSTROPHY, LIMB-GIRDLE, AUTOSOMAL RECESSIVE 10; Limb-girdle muscular dystrophy, type 2J. Identifiers: Orphanet 140922, MedGen C1837342, MONDO:0012127, OMIM 608807.
Early-onset myopathy with fatal cardiomyopathy (CMYO5). Also called: CONGENITAL MYOPATHY 5 WITH CARDIOMYOPATHY; Salih Myopathy. Identifiers: Orphanet 289377, MedGen C2673677, MONDO:0012714, OMIM 611705. Disease mechanism: loss of function.
Myopathy, myofibrillar, 9, with early respiratory failure (MFM9). Also called: EDSTROM MYOPATHY; MYOPATHY, PROXIMAL, WITH EARLY RESPIRATORY MUSCLE INVOLVEMENT; Myopathy, distal, with early respiratory failure, autosomal dominant; Hereditary myopathy with early respiratory failure. Identifiers: Orphanet 178464, Orphanet 34521, MedGen C1863599, MONDO:0011362, OMIM 603689.
Tibial muscular dystrophy (TMD). Also called: UDD MYOPATHY; Tibial muscular dystrophy, tardive; Udd Distal Myopathy – Tibial Muscular Dystrophy. Identifiers: Orphanet 609, MedGen C1838244, MONDO:0010870, OMIM 600334.

Allele frequency attached by ClinVar (database versions not stated): ESP Exome Variant Server 0.01002; gnomAD exomes 0.01007 and 0.02343; gnomAD 0.01188 and 0.01425; TOPMed 0.01343; ExAC 0.02691; 1000 Genomes Project 30x 0.04232; 1000 Genomes Project 0.05751.

Submissions (11):

Labcorp Genetics (formerly Invitae), Labcorp
Classification: Benign for Dilated cardiomyopathy 1G; Autosomal recessive limb-girdle muscular dystrophy type 2J. Last evaluated: 2026-01-19. Review status: criteria provided, single submitter. Criteria: Invitae Variant Classification Sherloc (09022015). Collection method: clinical testing. Allele origin: germline.

Genome-Nilou Lab
Classification: Benign for Autosomal recessive limb-girdle muscular dystrophy type 2J. Last evaluated: 2021-09-10. Review status: criteria provided, single submitter. Criteria: ACMG Guidelines, 2015. Collection method: clinical testing. Allele origin: germline. Affected: no.

Genome-Nilou Lab
Classification: Benign for Myopathy, myofibrillar, 9, with early respiratory failure. Last evaluated: 2021-09-10. Review status: criteria provided, single submitter. Criteria: ACMG Guidelines, 2015. Collection method: clinical testing. Allele origin: germline. Affected: no.

Genome-Nilou Lab
Classification: Benign for Early-onset myopathy with fatal cardiomyopathy. Last evaluated: 2021-09-10. Review status: criteria provided, single submitter. Criteria: ACMG Guidelines, 2015. Collection method: clinical testing. Allele origin: germline. Affected: no.

Genome-Nilou Lab
Classification: Benign for Tibial muscular dystrophy. Last evaluated: 2021-09-10. Review status: criteria provided, single submitter. Criteria: ACMG Guidelines, 2015. Collection method: clinical testing. Allele origin: germline. Affected: no.

GeneDx
Classification: Benign. Last evaluated: 2018-06-26. Review status: criteria provided, single submitter. Criteria: GeneDx Variant Classification Process June 2021. Collection method: clinical testing. Allele origin: germline. Affected: yes.
Comment: This variant is associated with the following publications: (PMID: 28797094)

Biesecker Lab/Clinical Genomics Section, National Institutes of Health
Classification: Benign. Last evaluated: 2013-06-24. Review status: criteria provided, single submitter. Criteria: Ng et al. (Circ Cardiovasc Genet. 2013). Collection method: research. Allele origin: unknown. Observed: 11 variant alleles. Study: ClinSeq.
Comment: The study set was not selected for affection status in relation to any cancer. Pathogenicity categories were based on literature curation. See Pubmed ID:23861362 for details.

Medical sequencing

Breakthrough Genomics
Classification: Benign. Review status: criteria provided, single submitter. Criteria: ACMG Guidelines, 2015. Collection method: not provided. Allele origin: germline. Inheritance: Autosomal recessive inheritance. Affected: yes.

Clinical Genetics DNA and cytogenetics Diagnostics Lab, Erasmus MC, Erasmus Medical Center
Classification: Benign. Review status: no assertion criteria provided. Collection method: clinical testing. Allele origin: germline. Affected: yes. Study: VKGL Data-share Consensus. Not counted in ClinVar's aggregate classification.

Genome Diagnostics Laboratory, University Medical Center Utrecht
Classification: Likely benign. Review status: no assertion criteria provided. Collection method: clinical testing. Allele origin: germline. Affected: yes. Study: VKGL Data-share Consensus. Not counted in ClinVar's aggregate classification.

Laboratory of Diagnostic Genome Analysis, Leiden University Medical Center (LUMC)
Classification: Likely benign. Review status: no assertion criteria provided. Collection method: clinical testing. Allele origin: germline. Affected: yes. Study: VKGL Data-share Consensus. Not counted in ClinVar's aggregate classification.

NM_001267550.2(TTN):c.36625G>T (p.Val12209Leu)

Gene: TTN (titin; minus strand). Cytogenetic location: 2q31.2.
Variant type: single nucleotide variant.
Coding change: c.36625G>T on transcript NM_001267550.2 (MANE Select); coding-DNA position 36625, G replaced by T.
Protein change: p.Val12209Leu; replaces valine 12209 with leucine.
Molecular consequence: missense variant. On other transcripts: intron variant (4).
Genome position (GRCh38, 1-based): chr2:178,663,341, C>A on the plus strand (G>T on the coding strand, the complement: TTN is on the minus strand). VCF-style: chr2-178663341-C-A. GRCh37 (hg19) VCF-style: chr2-179528068-C-A.
Other names: c.13283-21024G>T (NM_003319.4); c.13859-21024G>T (NM_133437.4); c.13658-21024G>T (NM_133432.3); c.34265-286G>T (NM_001256850.1); c.31484-286G>T (NM_133378.4); short protein forms V12209L.
Identifiers: ClinVar variation 192214 (VCV000192214.18), dbSNP rs72650053, ClinGen allele CA200101.